The following is an entry in ClinVar:

NM_001170629.2(CHD8):c.6850C>G (p.His2284Asp)

Genes: CHD8 (chromodomain helicase DNA binding protein 8; minus strand), LOC126861888 (CDK7 strongly-dependent group 2 enhancer GRCh37_chr14:21859227-21860426; plus strand). Cytogenetic location: 14q11.2.
Variant type: single nucleotide variant.
Coding change: c.6850C>G on transcript NM_001170629.2 (MANE Select); coding-DNA position 6850, C replaced by G.
Protein change: p.His2284Asp; replaces histidine 2284 with aspartic acid.
Molecular consequence: missense variant.
Genome position (GRCh38, 1-based): chr14:21,391,868, G>C on the plus strand (C>G on the coding strand, the complement: CHD8 is on the minus strand). VCF-style: chr14-21391868-G-C. GRCh37 (hg19) VCF-style: chr14-21860027-G-C.
Other names: c.6013C>G, p.His2005Asp (NM_020920.4); short protein forms H2005D, H2284D.
Identifiers: ClinVar variation 3360056 (VCV003360056.1).

ClinVar aggregate classification (germline): Uncertain significance (1 of 4 stars; one submission).

Submission:

GeneDx
Classification: Uncertain significance. Last evaluated: 2023-07-05. Review status: criteria provided, single submitter. Criteria: GeneDx Variant Classification Process June 2021. Collection method: clinical testing. Allele origin: germline. Affected: yes.
Comment: Not observed at significant frequency in large population cohorts (gnomAD); In silico analysis supports that this missense variant does not alter protein structure/function; Has not been previously published as pathogenic or benign to our knowledge